The following is an entry in ClinVar:

NM_003681.5(PDXK):c.142+7C>T

Gene: PDXK (pyridoxal kinase; plus strand). Cytogenetic location: 21q22.3.
Variant type: single nucleotide variant.
Coding change: c.142+7C>T on transcript NM_003681.5 (MANE Select); 7 bases into the intron after coding-DNA position 142, C replaced by T.
Molecular consequence: intron variant.
Genome position (GRCh38, 1-based): chr21:43,734,130, C>T. VCF-style: chr21-43734130-C-T. GRCh37 (hg19) VCF-style: chr21-45154011-C-T.
Identifiers: ClinVar variation 4084058 (VCV004084058.8).
Genomic context (GRCh38, chr21:43,734,130, plus strand): 5'-TTTTGGGATTTGAGATTGACGCGGTGAACTCTGTCCAGTTTTCAAACCACACAGGTAAGG[C>T]GTTGGCTCCAGCAGCTGGCATAGAGCAGACTGTGGGTGTGAGGGACGGGGCGGAGTGTGG-3'

ClinVar aggregate classification (germline): Uncertain significance (1 of 4 stars; one submission).

gnomAD v4.1: 186 of 1,613,326 alleles (0.012%); highest among the groups gnomAD compares: Non-Finnish European, 0.011%; no homozygotes.

Submission:

CeGaT Center for Human Genetics Tuebingen
Classification: Uncertain significance. Last evaluated: 2025-08-01. Review status: criteria provided, single submitter. Criteria: CeGaT Center For Human Genetics Tuebingen Variant Classification Criteria Version 2. Collection method: clinical testing. Allele origin: germline. Affected: yes. Observed: 1 variant allele.
Comment: PDXK: PM2, BP4